The following is an entry in ClinVar:

NM_001370.2(DNAH6):c.8576A>G (p.Lys2859Arg)

Gene: DNAH6 (dynein axonemal heavy chain 6; plus strand). Cytogenetic location: 2p11.2.
Variant type: single nucleotide variant.
Coding change: c.8576A>G on transcript NM_001370.2 (MANE Select); coding-DNA position 8576, A replaced by G.
Protein change: p.Lys2859Arg; replaces lysine 2859 with arginine.
Molecular consequence: missense variant.
Genome position (GRCh38, 1-based): chr2:84,705,596, A>G. VCF-style: chr2-84705596-A-G. GRCh37 (hg19) VCF-style: chr2-84932720-A-G.
Other names: NC_000002.11:g.84932720A>G; short protein forms K2859R.
Identifiers: ClinVar variation 1267514 (VCV001267514.4), dbSNP rs61750773, ClinGen allele CA1737538.
Genomic context (GRCh38, chr2:84,705,596, plus strand): 5'-AAAGGCTTTTAGAATATGATAAGGAGAACATAAAGCCTCAGATATTGGCAAAGCTTCAAA[A>G]GTATATTAATAATCCTGATTTTGTGCCTGAAAAAGTGGAGAAAGTGTCCAAAGCATGTAA-3'
Protein context (NP_001361.1, residues 2849-2869): IKPQILAKLQ[Lys2859Arg]YINNPDFVPE

ClinVar aggregate classification (germline): Benign. Review status: criteria provided, multiple submitters, no conflicts (2 of 4 stars). 2 submissions from 2 submitters: Benign (2). Last evaluated 2019-01-09.

Allele frequency attached by ClinVar (database versions not stated): gnomAD exomes 0.03113 and 0.03250; ESP Exome Variant Server 0.03219; gnomAD 0.03627 and 0.03693; TOPMed 0.03888; ExAC 0.03933; 1000 Genomes Project 0.04113; 1000 Genomes Project 30x 0.04372.
gnomAD v4.1: 49,289 of 1,551,574 alleles (3.2%); highest among the groups gnomAD compares: Middle Eastern, 6.4%; 981 homozygotes.

Submissions (23):

GeneDx
Classification: Benign. Last evaluated: 2019-01-09. Review status: criteria provided, single submitter. Criteria: GeneDx Variant Classification Process June 2021. Collection method: clinical testing. Allele origin: germline. Affected: yes.
Comment: This variant is associated with the following publications: (PMID: 29767709)

Breakthrough Genomics
Classification: Benign. Review status: criteria provided, single submitter. Criteria: ACMG Guidelines, 2015. Collection method: not provided. Allele origin: germline. Inheritance: Unknown mechanism. Affected: yes.

Dr. Peter K. Rogan Lab, Western University
No classification provided (evidence only). Condition: Clear cell carcinoma of kidney. Review status: no classification provided. Collection method: in vitro. Allele origin: not applicable. Functional consequence: retained intron. Not counted in ClinVar's aggregate classification.

Dr. Peter K. Rogan Lab, Western University
No classification provided (evidence only). Condition: Clear cell carcinoma of kidney. Review status: no classification provided. Collection method: in vitro. Allele origin: not applicable. Functional consequence: retained intron. Not counted in ClinVar's aggregate classification.

Dr. Peter K. Rogan Lab, Western University
No classification provided (evidence only). Condition: Clear cell carcinoma of kidney. Review status: no classification provided. Collection method: in vitro. Allele origin: not applicable. Functional consequence: retained intron. Not counted in ClinVar's aggregate classification.

Dr. Peter K. Rogan Lab, Western University
No classification provided (evidence only). Condition: Colon adenocarcinoma. Review status: no classification provided. Collection method: in vitro. Allele origin: not applicable. Functional consequence: retained intron. Not counted in ClinVar's aggregate classification.

Dr. Peter K. Rogan Lab, Western University
No classification provided (evidence only). Condition: Sarcoma. Review status: no classification provided. Collection method: in vitro. Allele origin: not applicable. Functional consequence: retained intron. Not counted in ClinVar's aggregate classification.

Dr. Peter K. Rogan Lab, Western University
No classification provided (evidence only). Condition: Sarcoma. Review status: no classification provided. Collection method: in vitro. Allele origin: not applicable. Functional consequence: retained intron. Not counted in ClinVar's aggregate classification.

Dr. Peter K. Rogan Lab, Western University
No classification provided (evidence only). Condition: Sarcoma. Review status: no classification provided. Collection method: in vitro. Allele origin: not applicable. Functional consequence: skipped exon, retained intron. Not counted in ClinVar's aggregate classification.

Dr. Peter K. Rogan Lab, Western University
No classification provided (evidence only). Condition: Sarcoma. Review status: no classification provided. Collection method: in vitro. Allele origin: not applicable. Functional consequence: retained intron. Not counted in ClinVar's aggregate classification.

Dr. Peter K. Rogan Lab, Western University
No classification provided (evidence only). Condition: Nonpapillary renal cell carcinoma. Review status: no classification provided. Collection method: in vitro. Allele origin: not applicable. Functional consequence: retained intron. Not counted in ClinVar's aggregate classification.

Dr. Peter K. Rogan Lab, Western University
No classification provided (evidence only). Condition: Chronic lymphocytic leukemia/small lymphocytic lymphoma. Review status: no classification provided. Collection method: in vitro. Allele origin: not applicable. Functional consequence: retained intron. Not counted in ClinVar's aggregate classification.

Dr. Peter K. Rogan Lab, Western University
No classification provided (evidence only). Condition: Nonpapillary renal cell carcinoma. Review status: no classification provided. Collection method: in vitro. Allele origin: not applicable. Functional consequence: retained intron. Not counted in ClinVar's aggregate classification.

Dr. Peter K. Rogan Lab, Western University
No classification provided (evidence only). Condition: Nonpapillary renal cell carcinoma. Review status: no classification provided. Collection method: in vitro. Allele origin: not applicable. Functional consequence: retained intron. Not counted in ClinVar's aggregate classification.

Dr. Peter K. Rogan Lab, Western University
No classification provided (evidence only). Condition: Familial pancreatic carcinoma. Review status: no classification provided. Collection method: in vitro. Allele origin: not applicable. Functional consequence: retained intron. Not counted in ClinVar's aggregate classification.

Dr. Peter K. Rogan Lab, Western University
No classification provided (evidence only). Condition: Familial pancreatic carcinoma. Review status: no classification provided. Collection method: in vitro. Allele origin: not applicable. Functional consequence: retained intron. Not counted in ClinVar's aggregate classification.

Dr. Peter K. Rogan Lab, Western University
No classification provided (evidence only). Condition: Hepatocellular carcinoma. Review status: no classification provided. Collection method: in vitro. Allele origin: not applicable. Functional consequence: retained intron. Not counted in ClinVar's aggregate classification.

Dr. Peter K. Rogan Lab, Western University
No classification provided (evidence only). Condition: Hepatocellular carcinoma. Review status: no classification provided. Collection method: in vitro. Allele origin: not applicable. Functional consequence: retained intron. Not counted in ClinVar's aggregate classification.

Dr. Peter K. Rogan Lab, Western University
No classification provided (evidence only). Condition: Hepatocellular carcinoma. Review status: no classification provided. Collection method: in vitro. Allele origin: not applicable. Functional consequence: retained intron. Not counted in ClinVar's aggregate classification.

Dr. Peter K. Rogan Lab, Western University
No classification provided (evidence only). Condition: Hepatocellular carcinoma. Review status: no classification provided. Collection method: in vitro. Allele origin: not applicable. Functional consequence: retained intron. Not counted in ClinVar's aggregate classification.

Dr. Peter K. Rogan Lab, Western University
No classification provided (evidence only). Condition: Lymphoma. Review status: no classification provided. Collection method: in vitro. Allele origin: not applicable. Functional consequence: retained intron. Not counted in ClinVar's aggregate classification.

Dr. Peter K. Rogan Lab, Western University
No classification provided (evidence only). Condition: Ovarian cancer. Review status: no classification provided. Collection method: in vitro. Allele origin: not applicable. Functional consequence: retained intron. Not counted in ClinVar's aggregate classification.

Dr. Peter K. Rogan Lab, Western University
No classification provided (evidence only). Condition: Ovarian cancer. Review status: no classification provided. Collection method: in vitro. Allele origin: not applicable. Functional consequence: retained intron. Not counted in ClinVar's aggregate classification.